The following is an entry in ClinVar:

ClinVar aggregate classification (germline): Benign/Likely benign. Review status: criteria provided, multiple submitters, no conflicts (2 of 4 stars). 5 submissions from 5 submitters: Benign (2); Likely benign (3). Last evaluated 2026-01-28.

Conditions:
HYPERHOMOCYSTEINEMIA, THROMBOTIC, CBS-RELATED. Identifiers: MedGen C3150344, OMIM 236200.

Allele frequency attached by ClinVar (database versions not stated): gnomAD exomes 0.00033; ExAC 0.00044; gnomAD 0.00093; ESP Exome Variant Server 0.00154; 1000 Genomes Project 0.00260.

Submissions (5):

Labcorp Genetics (formerly Invitae), Labcorp
Classification: Benign for HYPERHOMOCYSTEINEMIA, THROMBOTIC, CBS-RELATED. Last evaluated: 2026-01-28. Review status: criteria provided, single submitter. Criteria: Invitae Variant Classification Sherloc (09022015). Collection method: clinical testing. Allele origin: germline.

Blueprint Genetics
Classification: Likely benign. Last evaluated: 2024-10-03. Review status: criteria provided, single submitter. Criteria: ACMG Guidelines, 2015. Collection method: clinical testing. Allele origin: germline.

ARUP Laboratories, Molecular Genetics and Genomics, ARUP Laboratories
Classification: Likely benign. Last evaluated: 2024-08-13. Review status: criteria provided, single submitter. Criteria: ARUP Molecular Germline Variant Investigation Process 2024. Collection method: clinical testing. Allele origin: germline.

Women's Health and Genetics/Laboratory Corporation of America, LabCorp
Classification: Likely benign. Last evaluated: 2024-01-15. Review status: criteria provided, single submitter. Criteria: LabCorp Variant Classification Summary - May 2015. Collection method: clinical testing. Allele origin: germline.

GeneDx
Classification: Benign. Last evaluated: 2014-06-23. Review status: criteria provided, single submitter. Criteria: GeneDx Variant Classification (06012015). Collection method: clinical testing. Allele origin: germline. Affected: yes.
Comment: This variant is considered likely benign or benign based on one or more of the following criteria: it is a conservative change, it occurs at a poorly conserved position in the protein, it is predicted to be benign by multiple in silico algorithms, and/or has population frequency not consistent with disease.

NM_000071.3(CBS):c.1223+12C>T

Gene: CBS (cystathionine beta-synthase; minus strand). Cytogenetic location: 21q22.3.
Variant type: single nucleotide variant.
Coding change: c.1223+12C>T on transcript NM_000071.3 (MANE Select); 12 bases into the intron after coding-DNA position 1223, C replaced by T.
Molecular consequence: intron variant.
Genome position (GRCh38, 1-based): chr21:43,059,214, G>A on the plus strand (C>T on the coding strand, the complement: CBS is on the minus strand). VCF-style: chr21-43059214-G-A. GRCh37 (hg19) VCF-style: chr21-44479324-G-A.
Other names: c.1223+12C>T (NM_001320298.2, NM_001178009.3, NM_001178008.3); c.908+12C>T (NM_001321072.1).
Identifiers: ClinVar variation 212828 (VCV000212828.12), dbSNP rs116578198, ClinGen allele CA323961.